The following is an entry in ClinVar:

ClinVar aggregate classification (germline): Benign. Review status: criteria provided, multiple submitters, no conflicts (2 of 4 stars). 5 submissions from 5 submitters: Benign (4). 1 of the submissions does not count toward it. Last evaluated 2026-02-02.

Conditions:
IDH3A-related disorder. Also called: IDH3A-related condition.

Allele frequency attached by ClinVar (database versions not stated): gnomAD exomes 0.02927; ExAC 0.03008; ESP Exome Variant Server 0.04361; gnomAD 0.04561 and 0.04651; TOPMed 0.04782; 1000 Genomes Project 0.05931; 1000 Genomes Project 30x 0.06184.
gnomAD v4.1: 35,275 of 1,613,826 alleles (2.2%); highest among the groups gnomAD compares: African/African-American, 11%; 837 homozygotes.

Submissions (5):

Labcorp Genetics (formerly Invitae), Labcorp
Classification: Benign. Last evaluated: 2026-02-02. Review status: criteria provided, single submitter. Criteria: Invitae Variant Classification Sherloc (09022015). Collection method: clinical testing. Allele origin: germline.

Blueprint Genetics
Classification: Benign. Last evaluated: 2024-11-27. Review status: criteria provided, single submitter. Criteria: ACMG Guidelines, 2015. Collection method: clinical testing. Allele origin: germline.

GeneDx
Classification: Benign. Last evaluated: 2021-05-04. Review status: criteria provided, single submitter. Criteria: GeneDx Variant Classification Process June 2021. Collection method: clinical testing. Allele origin: germline. Affected: yes.

Breakthrough Genomics
Classification: Benign. Review status: criteria provided, single submitter. Criteria: ACMG Guidelines, 2015. Collection method: not provided. Allele origin: germline. Inheritance: Autosomal recessive inheritance. Affected: yes.

PreventionGenetics, part of Exact Sciences
Classification: Benign for IDH3A-related condition. Last evaluated: 2019-03-29. Review status: no assertion criteria provided. Collection method: clinical testing. Allele origin: germline. Not counted in ClinVar's aggregate classification.
Comment: This variant is classified as benign based on ACMG/AMP sequence variant interpretation guidelines (Richards et al. 2015 PMID: 25741868, with internal and published modifications).

NM_005530.3(IDH3A):c.1011C>T (p.Asp337=)

Gene: IDH3A (isocitrate dehydrogenase (NAD(+)) 3 catalytic subunit alpha; plus strand). Cytogenetic location: 15q25.1.
Variant type: single nucleotide variant.
Coding change: c.1011C>T on transcript NM_005530.3 (MANE Select); coding-DNA position 1011, C replaced by T.
Protein change: p.Asp337=; no amino-acid change (aspartic acid 337 retained).
Molecular consequence: synonymous variant.
Genome position (GRCh38, 1-based): chr15:78,166,296, C>T. VCF-style: chr15-78166296-C-T. GRCh37 (hg19) VCF-style: chr15-78458638-C-T.
Identifiers: ClinVar variation 1164963 (VCV001164963.15), dbSNP rs2304826, ClinGen allele CA7680738.